The following is an entry in ClinVar:

NM_017818.4(WRAP73):c.555G>A (p.Glu185=)

Gene: WRAP73 (WD repeat containing, antisense to TP73; minus strand). Cytogenetic location: 1p36.32.
Variant type: single nucleotide variant.
Coding change: c.555G>A on transcript NM_017818.4 (MANE Select); coding-DNA position 555, G replaced by A.
Protein change: p.Glu185=; no amino-acid change (glutamic acid 185 retained).
Molecular consequence: synonymous variant.
Genome position (GRCh38, 1-based): chr1:3,635,992, C>T on the plus strand (G>A on the coding strand, the complement: WRAP73 is on the minus strand). VCF-style: chr1-3635992-C-T. GRCh37 (hg19) VCF-style: chr1-3552556-C-T.
Identifiers: ClinVar variation 2638103 (VCV002638103.24), dbSNP rs113614277, ClinGen allele CA548613.
Genomic context (GRCh38, chr1:3,635,992, plus strand): 5'-TCATCTTCATACCTCCAAGCAGGTGTCCCACACTGCCAGCACACAGCCGTTTGGGGCCCA[C>T]TCAATCCCTGTGAGATCCTGGGTGTCCGTATCAAAATGCTTCCAAAGGAAGGGGGGGAAA-3'
Protein context (NP_060288.3, residues 175-195): DTDTQDLTGI[Glu185=]WAPNGCVLAV

ClinVar aggregate classification (germline): Likely benign (1 of 4 stars; one submission).

Allele frequency attached by ClinVar (database versions not stated): 1000 Genomes Project 30x 0.00047; gnomAD exomes 0.00180; gnomAD 0.00247; ExAC 0.00264; 1000 Genomes Project 0.00060; TOPMed 0.00105; ESP Exome Variant Server 0.00146.
gnomAD v4.1: 2,989 of 1,614,040 alleles (0.19%); highest among the groups gnomAD compares: Non-Finnish European, 0.15%; 12 homozygotes.

Submission:

CeGaT Center for Human Genetics Tuebingen
Classification: Likely benign. Last evaluated: 2022-09-01. Review status: criteria provided, single submitter. Criteria: CeGaT Center For Human Genetics Tuebingen Variant Classification Criteria Version 2. Collection method: clinical testing. Allele origin: germline. Affected: yes. Observed: 1 variant allele.
Comment: WRAP73: BP4, BP7